The following is an entry in ClinVar:

ClinVar aggregate classification (germline): Uncertain significance (1 of 4 stars; one submission).

gnomAD v4.1: 3 of 1,611,774 alleles (0.00019%); highest among the groups gnomAD compares: East Asian, 0.0022%; no homozygotes.

Submission:

Labcorp Genetics (formerly Invitae), Labcorp
Classification: Uncertain significance. Last evaluated: 2024-10-19. Review status: criteria provided, single submitter. Criteria: Invitae Variant Classification Sherloc (09022015). Collection method: clinical testing. Allele origin: germline.
Comment: This sequence change replaces glycine, which is neutral and non-polar, with glutamic acid, which is acidic and polar, at codon 571 of the ERBIN protein (p.Gly571Glu). This variant is present in population databases (rs539291781, gnomAD 0.007%). This variant has not been reported in the literature in individuals affected with ERBIN-related conditions. An algorithm developed to predict the effect of missense changes on protein structure and function outputs the following: PolyPhen-2: "Benign". The glutamic acid amino acid residue is found in multiple mammalian species, which suggests that this missense change does not adversely affect protein function. In summary, the available evidence is currently insufficient to determine the role of this variant in disease. Therefore, it has been classified as a Variant of Uncertain Significance.

NM_001253697.2(ERBIN):c.1712G>A (p.Gly571Glu)

Gene: ERBIN (erbb2 interacting protein; plus strand). Cytogenetic location: 5q12.3.
Variant type: single nucleotide variant.
Coding change: c.1712G>A on transcript NM_001253697.2 (MANE Select); coding-DNA position 1712, G replaced by A.
Protein change: p.Gly571Glu; replaces glycine 571 with glutamic acid.
Molecular consequence: missense variant.
Genome position (GRCh38, 1-based): chr5:66,046,462, G>A. VCF-style: chr5-66046462-G-A. GRCh37 (hg19) VCF-style: chr5-65342290-G-A.
Other names: c.1712G>A, p.Gly571Glu (NM_001006600.3, NM_001253698.2, NM_001253699.2 and 1 more transcripts); c.1700G>A, p.Gly567Glu (NM_001253701.2); short protein forms G567E, G571E.
Identifiers: ClinVar variation 3681876 (VCV003681876.2).